The following is an entry in ClinVar:

NM_002968.3(SALL1):c.2336T>C (p.Val779Ala)

Gene: SALL1 (spalt like transcription factor 1; minus strand). Cytogenetic location: 16q12.1.
Variant type: single nucleotide variant.
Coding change: c.2336T>C on transcript NM_002968.3 (MANE Select); coding-DNA position 2336, T replaced by C.
Protein change: p.Val779Ala; replaces valine 779 with alanine.
Molecular consequence: missense variant.
Genome position (GRCh38, 1-based): chr16:51,139,886, A>G on the plus strand (T>C on the coding strand, the complement: SALL1 is on the minus strand). VCF-style: chr16-51139886-A-G. GRCh37 (hg19) VCF-style: chr16-51173797-A-G.
Other names: c.2045T>C, p.Val682Ala (NM_001127892.2); short protein forms V682A, V779A.
Identifiers: ClinVar variation 1310603 (VCV001310603.2), dbSNP rs2143441870, ClinGen allele CA395885458.
Genomic context (GRCh38, chr16:51,139,886, plus strand): 5'-GGGACTGGGGTGTTGGGGATCTGGCCTCCCATATGCATTCGGATGTGCTGCTGCAGGACC[A>G]CAGCGTTCGTGAACTTCTTCTGGCAGATGGGGCAGGAATGCTGGACTCTGAGCGGGGGCA-3'
Protein context (NP_002959.2, residues 769-789): PICQKKFTNA[Val779Ala]VLQQHIRMHM

ClinVar aggregate classification (germline): Uncertain significance (1 of 4 stars; one submission).

Allele frequency attached by ClinVar (database versions not stated): gnomAD exomes below 0.00001.
gnomAD v4.1: 1 of 1,614,200 alleles (0.000062%); highest among the groups gnomAD compares: Non-Finnish European, 0.000085%; no homozygotes.

Submission:

GeneDx
Classification: Uncertain significance. Last evaluated: 2019-12-02. Review status: criteria provided, single submitter. Criteria: GeneDx Variant Classification Process June 2021. Collection method: clinical testing. Allele origin: germline. Affected: yes.
Comment: Not observed in large population cohorts (Lek et al., 2016); In silico analysis, which includes protein predictors and evolutionary conservation, supports a deleterious effect; Has not been previously published as pathogenic or benign to our knowledge